The following is an entry in ClinVar:

ClinVar aggregate classification (germline): Uncertain significance. Review status: criteria provided, multiple submitters, no conflicts (2 of 4 stars). 2 submissions from 2 submitters: Uncertain significance (2). Last evaluated 2022-12-29.

Allele frequency attached by ClinVar (database versions not stated): gnomAD 0.00001.
gnomAD v4.1: 3 of 1,613,090 alleles (0.00019%); highest among the groups gnomAD compares: Non-Finnish European, 0.00017%; no homozygotes.

Submissions (2):

GeneDx
Classification: Uncertain significance. Last evaluated: 2022-12-29. Review status: criteria provided, single submitter. Criteria: GeneDx Variant Classification Process June 2021. Collection method: clinical testing. Allele origin: germline. Affected: yes.
Comment: Not observed at significant frequency in large population cohorts (gnomAD); In silico analysis supports that this missense variant has a deleterious effect on protein structure/function; Has not been previously published as pathogenic or benign to our knowledge

Blueprint Genetics
Classification: Uncertain significance. Last evaluated: 2018-06-29. Review status: criteria provided, single submitter. Criteria: ACMG Guidelines, 2015. Collection method: clinical testing. Allele origin: germline.

NM_138694.4(PKHD1):c.5944G>A (p.Glu1982Lys)

Gene: PKHD1 (PKHD1 ciliary IPT domain containing fibrocystin/polyductin; minus strand). Cytogenetic location: 6p12.2.
Variant type: single nucleotide variant.
Coding change: c.5944G>A on transcript NM_138694.4 (MANE Select); coding-DNA position 5944, G replaced by A.
Protein change: p.Glu1982Lys; replaces glutamic acid 1982 with lysine.
Molecular consequence: missense variant.
Genome position (GRCh38, 1-based): chr6:51,934,287, C>T on the plus strand (G>A on the coding strand, the complement: PKHD1 is on the minus strand). VCF-style: chr6-51934287-C-T. GRCh37 (hg19) VCF-style: chr6-51799085-C-T.
Other names: c.5944G>A, p.Glu1982Lys (NM_170724.3); short protein forms E1982K.
Identifiers: ClinVar variation 636696 (VCV000636696.3), dbSNP rs760283175, ClinGen allele CA364417936.